The following is an entry in ClinVar:

NM_016729.3(FOLR1):c.257G>A (p.Trp86Ter)

Genes: FOLR1 (folate receptor alpha; plus strand), FOLR1-AS1 (FOLR1 antisense RNA 1; minus strand). Cytogenetic location: 11q13.4.
Variant type: single nucleotide variant.
Coding change: c.257G>A on transcript NM_016729.3 (MANE Select); coding-DNA position 257, G replaced by A.
Protein change: p.Trp86Ter; replaces tryptophan 86 with a stop codon.
Molecular consequence: nonsense.
Genome position (GRCh38, 1-based): chr11:72,195,359, G>A. VCF-style: chr11-72195359-G-A. GRCh37 (hg19) VCF-style: chr11-71906403-G-A.
Other names: c.257G>A, p.Trp86Ter (NM_000802.3, NM_016724.3, NM_016725.3); short protein forms W86*.
Identifiers: ClinVar variation 470723 (VCV000470723.11), dbSNP rs1555069069, ClinGen allele CA381732205.

ClinVar aggregate classification (germline): Pathogenic (1 of 4 stars; one submission).

Conditions:
Cerebral folate transport deficiency. Also called: Neurodegenerative syndrome due to cerebral folate transport deficiency; Cerebral folate deficiency syndrome; FOLATE RECEPTOR DEFICIENCY; NEURODEGENERATION DUE TO CEREBRAL FOLATE TRANSPORT DEFICIENCY; FOLR1-Related Cerebral Folate Transport Deficiency. Identifiers: Orphanet 217382, MedGen C2751584, MONDO:0013110, OMIM 613068. Disease mechanism: loss of function.

Submission:

Labcorp Genetics (formerly Invitae), Labcorp
Classification: Pathogenic for Cerebral folate transport deficiency. Last evaluated: 2022-03-19. Review status: criteria provided, single submitter. Criteria: Invitae Variant Classification Sherloc (09022015). Collection method: clinical testing. Allele origin: germline.
Comment: This variant is not present in population databases (gnomAD no frequency). This sequence change creates a premature translational stop signal (p.Trp86*) in the FOLR1 gene. It is expected to result in an absent or disrupted protein product. Loss-of-function variants in FOLR1 are known to be pathogenic (PMID: 19732866, 22586289). This variant has not been reported in the literature in individuals affected with FOLR1-related conditions. For these reasons, this variant has been classified as Pathogenic. ClinVar contains an entry for this variant (Variation ID: 470723).

Literature cited by the submitters: PubMed 19732866; PubMed 22586289.